The following is an entry in ClinVar:

ClinVar aggregate classification (germline): Uncertain significance. Review status: criteria provided, multiple submitters, no conflicts (2 of 4 stars). 2 submissions from 2 submitters: Uncertain significance (2). Last evaluated 2021-08-10.

Conditions:
Hypertrophic cardiomyopathy 20. Identifiers: MedGen C3151267, MONDO:0013477, OMIM 613876.
Dilated cardiomyopathy 1CC (CMD1CC). Identifiers: Orphanet 154, MedGen C2751084, MONDO:0013147, OMIM 613122.

Allele frequency attached by ClinVar (database versions not stated): gnomAD exomes below 0.00001.
gnomAD v4.1: 1 of 1,613,454 alleles (0.000062%); highest among the groups gnomAD compares: Non-Finnish European, 0.000085%; no homozygotes.

Submissions (2):

Fulgent Genetics
Classification: Uncertain significance for Dilated cardiomyopathy 1CC; Hypertrophic cardiomyopathy 20. Last evaluated: 2021-08-10. Review status: criteria provided, single submitter. Criteria: ACMG Guidelines, 2015. Collection method: clinical testing. Allele origin: unknown.

Labcorp Genetics (formerly Invitae), Labcorp
Classification: Uncertain significance for Dilated cardiomyopathy 1CC; Hypertrophic cardiomyopathy 20. Last evaluated: 2020-08-21. Review status: criteria provided, single submitter. Criteria: Invitae Variant Classification Sherloc (09022015). Collection method: clinical testing. Allele origin: germline.
Comment: Algorithms developed to predict the effect of missense changes on protein structure and function are either unavailable or do not agree on the potential impact of this missense change (SIFT: "Deleterious"; PolyPhen-2: "Benign"; Align-GVGD: "Class C0"). This sequence change replaces lysine with arginine at codon 554 of the NEXN protein (p.Lys554Arg). The lysine residue is highly conserved and there is a small physicochemical difference between lysine and arginine. This variant is not present in population databases (ExAC no frequency). This variant has not been reported in the literature in individuals with NEXN-related conditions. In summary, the available evidence is currently insufficient to determine the role of this variant in disease. Therefore, it has been classified as a Variant of Uncertain Significance.

NM_144573.4(NEXN):c.1661A>G (p.Lys554Arg)

Gene: NEXN (nexilin F-actin binding protein; plus strand). Cytogenetic location: 1p31.1.
Variant type: single nucleotide variant.
Coding change: c.1661A>G on transcript NM_144573.4 (MANE Select); coding-DNA position 1661, A replaced by G.
Protein change: p.Lys554Arg; replaces lysine 554 with arginine.
Molecular consequence: missense variant.
Genome position (GRCh38, 1-based): chr1:77,942,462, A>G. VCF-style: chr1-77942462-A-G. GRCh37 (hg19) VCF-style: chr1-78408147-A-G.
Other names: c.1469A>G, p.Lys490Arg (NM_001172309.2); short protein forms K490R, K554R.
Identifiers: ClinVar variation 1052153 (VCV001052153.10), dbSNP rs1651445427, ClinGen allele CA340881732.
Genomic context (GRCh38, chr1:77,942,462, plus strand): 5'-TAAATCGCTGCCCTGAAAATACTATAAATGCCAACCTGAATGCATTTATTTTAATACAGA[A>G]AAGAGAAGAGGAGGAGGAGGAAGAAGGTAGCATCATGAATGGCTCCACTGCTGAAGATGA-3'
Protein context (NP_653174.3, residues 544-564): QREIDAALQK[Lys554Arg]REEEEEEEGS